The following is an entry in ClinVar:

ClinVar aggregate classification (germline): Uncertain significance (1 of 4 stars; one submission).

Submission:

Labcorp Genetics (formerly Invitae), Labcorp
Classification: Uncertain significance. Last evaluated: 2023-07-25. Review status: criteria provided, single submitter. Criteria: Invitae Variant Classification Sherloc (09022015). Collection method: clinical testing. Allele origin: germline.
Comment: In summary, the available evidence is currently insufficient to determine the role of this variant in disease. Therefore, it has been classified as a Variant of Uncertain Significance. Variants that disrupt the consensus splice site are a relatively common cause of aberrant splicing (PMID: 17576681, 9536098). Algorithms developed to predict the effect of sequence changes on RNA splicing suggest that this variant is not likely to affect RNA splicing. This variant has not been reported in the literature in individuals affected with FLNB-related conditions. This variant is not present in population databases (gnomAD no frequency). This sequence change falls in intron 20 of the FLNB gene. It does not directly change the encoded amino acid sequence of the FLNB protein. It affects a nucleotide within the consensus splice site.

Literature cited by the submitters: PubMed 17576681; PubMed 9536098.

NM_001457.4(FLNB):c.3126+3C>G

Gene: FLNB (filamin B; plus strand). Cytogenetic location: 3p14.3.
Variant type: single nucleotide variant.
Coding change: c.3126+3C>G on transcript NM_001457.4 (MANE Select); 3 bases into the intron after coding-DNA position 3126, C replaced by G.
Molecular consequence: intron variant.
Genome position (GRCh38, 1-based): chr3:58,121,506, C>G. VCF-style: chr3-58121506-C-G. GRCh37 (hg19) VCF-style: chr3-58107233-C-G.
Other names: c.3126+3C>G (NM_001164317.2, NM_001164318.2, NM_001164319.2).
Identifiers: ClinVar variation 2744333 (VCV002744333.3), dbSNP rs2471117540, ClinGen allele CA2697556742.
Genomic context (GRCh38, chr3:58,121,506, plus strand): 5'-CCCTGTGCCCGGGAGCCCCTACACAGTGGAGGCCTCGCTGCCACCAGATCCCAGCAAGGT[C>G]AGCCTTTGCTTTTGTCCCAGAACTTGTCTCATTGCTGTCAAACATGACACCATAGTCCTT-3'